The following is an entry in ClinVar:

NM_000138.5(FBN1):c.4746A>T (p.Thr1582=)

Gene: FBN1 (fibrillin 1; minus strand). Cytogenetic location: 15q21.1.
Variant type: single nucleotide variant.
Coding change: c.4746A>T on transcript NM_000138.5 (MANE Select); coding-DNA position 4746, A replaced by T.
Protein change: p.Thr1582=; no amino-acid change (threonine 1582 retained).
Molecular consequence: synonymous variant.
Genome position (GRCh38, 1-based): chr15:48,467,939, T>A on the plus strand (A>T on the coding strand, the complement: FBN1 is on the minus strand). VCF-style: chr15-48467939-T-A. GRCh37 (hg19) VCF-style: chr15-48760136-T-A.
Other names: c.4746A>T, p.Thr1582= (NM_001406716.1).
Identifiers: ClinVar variation 4784869 (VCV004784869.1).

ClinVar aggregate classification (germline): Uncertain significance (1 of 4 stars; one submission).

Conditions:
Marfan syndrome (MFS). Also called: FBN1-Related Marfan Syndrome; MARFAN SYNDROME, TYPE I; Marfan syndrome type 1; Marfan's syndrome; Marfan syndrome, classic. Identifiers: Orphanet 284963, Orphanet 558, MedGen C0024796, MONDO:0007947, OMIM 154700.
Familial thoracic aortic aneurysm and aortic dissection (TAAD). Also called: Thoracic aortic aneurysms and dissections. Identifiers: Orphanet 91387, MedGen C4707243, MONDO:0019625.

Submission:

Labcorp Genetics (formerly Invitae), Labcorp
Classification: Uncertain significance for Marfan syndrome; Familial thoracic aortic aneurysm and aortic dissection. Last evaluated: 2025-04-29. Review status: criteria provided, single submitter. Criteria: Invitae Variant Classification Sherloc (09022015). Collection method: clinical testing. Allele origin: germline.
Comment: This sequence change affects codon 1582 of the FBN1 mRNA. It is a 'silent' change, meaning that it does not change the encoded amino acid sequence of the FBN1 protein. It affects a nucleotide within the consensus splice site. This variant is not present in population databases (gnomAD no frequency). This variant has not been reported in the literature in individuals affected with FBN1-related conditions. Algorithms developed to predict the effect of sequence changes on RNA splicing suggest that this variant is not likely to affect RNA splicing. In summary, the available evidence is currently insufficient to determine the role of this variant in disease. Therefore, it has been classified as a Variant of Uncertain Significance.